The following is an entry in ClinVar:

ClinVar aggregate classification (germline): Uncertain significance. Review status: criteria provided, multiple submitters, no conflicts (2 of 4 stars). 3 submissions from 3 submitters: Uncertain significance (3). Last evaluated 2026-08-04.

Conditions:
NTRK2-related disorder. Also called: NTRK2-related condition.

Allele frequency attached by ClinVar (database versions not stated): ExAC 0.00001; gnomAD 0.00001; gnomAD exomes 0.00001.
gnomAD v4.1: 12 of 1,614,026 alleles (0.00074%); highest among the groups gnomAD compares: South Asian, 0.011%; no homozygotes.

Submissions (3):

PreventionGenetics, part of Exact Sciences
Classification: Uncertain significance for NTRK2-related condition. Last evaluated: 2026-08-04. Review status: criteria provided, single submitter. Criteria: ACMG Guidelines, 2015. Collection method: clinical testing. Allele origin: germline.
Comment: The NTRK2 c.482C>T variant is predicted to result in the amino acid substitution p.Thr161Ile. To our knowledge, this variant has not been reported in the literature. This variant is reported in 0.0098% of alleles in individuals of South Asian descent in gnomAD. At this time, the clinical significance of this variant is uncertain due to the absence of conclusive functional and genetic evidence.

Labcorp Genetics (formerly Invitae), Labcorp
Classification: Uncertain significance. Last evaluated: 2024-06-25. Review status: criteria provided, single submitter. Criteria: Invitae Variant Classification Sherloc (09022015). Collection method: clinical testing. Allele origin: germline.
Comment: This sequence change replaces threonine, which is neutral and polar, with isoleucine, which is neutral and non-polar, at codon 161 of the NTRK2 protein (p.Thr161Ile). This variant is present in population databases (rs769121017, gnomAD 0.01%). This variant has not been reported in the literature in individuals affected with NTRK2-related conditions. ClinVar contains an entry for this variant (Variation ID: 2434459). Advanced modeling of protein sequence and biophysical properties (such as structural, functional, and spatial information, amino acid conservation, physicochemical variation, residue mobility, and thermodynamic stability) performed at Invitae indicates that this missense variant is not expected to disrupt NTRK2 protein function with a negative predictive value of 80%. In summary, the available evidence is currently insufficient to determine the role of this variant in disease. Therefore, it has been classified as a Variant of Uncertain Significance.

Revvity Omics, Revvity
Classification: Uncertain significance. Last evaluated: 2023-05-31. Review status: criteria provided, single submitter. Criteria: ACMG Guidelines, 2015. Collection method: clinical testing. Allele origin: germline.

NM_006180.6(NTRK2):c.482C>T (p.Thr161Ile)

Gene: NTRK2 (neurotrophic receptor tyrosine kinase 2; plus strand). Cytogenetic location: 9q21.33.
Variant type: single nucleotide variant.
Coding change: c.482C>T on transcript NM_006180.6 (MANE Select); coding-DNA position 482, C replaced by T.
Protein change: p.Thr161Ile; replaces threonine 161 with isoleucine.
Molecular consequence: missense variant.
Genome position (GRCh38, 1-based): chr9:84,710,690, C>T. VCF-style: chr9-84710690-C-T. GRCh37 (hg19) VCF-style: chr9-87325605-C-T.
Other names: c.482C>T, p.Thr161Ile (NM_001018065.2, NM_001018066.3, NM_001291937.2 and 19 more transcripts); c.14C>T, p.Thr5Ile (NM_001369535.1, NM_001369536.1, NM_001369550.1 and 2 more transcripts); short protein forms T161I, T5I.
Identifiers: ClinVar variation 2434459 (VCV002434459.7), dbSNP rs769121017, ClinGen allele CA5105513.